The following is an entry in ClinVar:

ClinVar aggregate classification (germline): Uncertain significance. Review status: criteria provided, multiple submitters, no conflicts (2 of 4 stars). 2 submissions from 2 submitters: Uncertain significance (2). Last evaluated 2025-06-30.

Conditions:
Malignant hyperthermia, susceptibility to, 1 (MHS1). Also called: Anesthesia related hyperthermia; Malignant hyperpyrexia; Fulminating hyperpyrexia; Pharmacogenic myopathy; RYR1-Related Malignant Hyperthermia Susceptibility; Malignant hyperthermia suceptibility 1. Identifiers: Orphanet 423, MedGen C2930980, MONDO:0007783, OMIM 145600.

Submissions (2):

Color Diagnostics, LLC DBA Color Health
Classification: Uncertain significance for Malignant hyperthermia, susceptibility to, 1. Last evaluated: 2025-06-30. Review status: criteria provided, single submitter. Criteria: ACMG Guidelines, 2015. Collection method: clinical testing. Allele origin: germline.
Comment: This missense variant replaces threonine with alanine at codon 1872 of the RYR1 protein. Computational prediction suggests that this variant may not impact protein structure and function. To our knowledge, functional studies have not been reported for this variant. This variant has not been reported in individuals affected with RYR1-related disorders in the literature. This variant has not been identified in the general population by the Genome Aggregation Database (gnomAD). The available evidence is insufficient to determine the role of this variant in disease conclusively. Therefore, this variant is classified as a Variant of Uncertain Significance.

All of Us Research Program, National Institutes of Health
Classification: Uncertain significance for Malignant hyperthermia, susceptibility to, 1. Last evaluated: 2023-11-30. Review status: criteria provided, single submitter. Criteria: ACMG Guidelines, 2015. Collection method: clinical testing. Allele origin: germline. Inheritance: Autosomal dominant inheritance. Observed: 1 variant allele, 1 heterozygote.
Comment: This study involves interpretation of variants in research participants for the purpose of population health screening. Participant phenotype was not available at the time of variant classification. Additional details can be found in publication PMID: 35346344, PMCID: PMC8962531

NM_000540.3(RYR1):c.5614A>G (p.Thr1872Ala)

Gene: RYR1 (ryanodine receptor 1; plus strand). Cytogenetic location: 19q13.2.
Variant type: single nucleotide variant.
Coding change: c.5614A>G on transcript NM_000540.3 (MANE Select); coding-DNA position 5614, A replaced by G.
Protein change: p.Thr1872Ala; replaces threonine 1872 with alanine.
Molecular consequence: missense variant.
Genome position (GRCh38, 1-based): chr19:38,489,243, A>G. VCF-style: chr19-38489243-A-G. GRCh37 (hg19) VCF-style: chr19-38979883-A-G.
Other names: c.5614A>G, p.Thr1872Ala (NM_001042723.2); short protein forms T1872A.
Identifiers: ClinVar variation 3073958 (VCV003073958.2), dbSNP rs2514245501, ClinGen allele CA405657888.
Genomic context (GRCh38, chr19:38,489,243, plus strand): 5'-GGCATCTTTGGCGATGAGGATGTGAAACAGATCTTGAAGATGATTGAGCCTGAGGTCTTC[A>G]CTGAGGAAGAAGAGGAGGAGGACGAGGAGGAAGAGGGTGAAGAGGAAGATGAGGAGGAGA-3'
Protein context (NP_000531.2, residues 1862-1882): ILKMIEPEVF[Thr1872Ala]EEEEEEDEEE